The following is an entry in ClinVar:

ClinVar aggregate classification (germline): Uncertain significance. Review status: criteria provided, multiple submitters, no conflicts (2 of 4 stars). 2 submissions from 2 submitters: Uncertain significance (2). Last evaluated 2024-12-09.

Conditions:
ALDH18A1-related de Barsy syndrome. Also called: DE BARSY SYNDROME A; Cutis laxa, autosomal recessive IIIA. Identifiers: Orphanet 2962, Orphanet 35664, MedGen C5234852, MONDO:0009053, OMIM 219150.
Autosomal dominant spastic paraplegia type 9. Identifiers: MedGen C1832669, MONDO:0015091.
Cutis laxa, autosomal dominant 3 (ADCL3). Identifiers: Orphanet 90348, MedGen C4225268, MONDO:0014706, OMIM 616603.
de Barsy syndrome. Also called: Cutis laxa-corneal clouding-oligophrenia syndrome. Identifiers: Orphanet 2962, MedGen C0268354, MONDO:0017569.

Allele frequency attached by ClinVar (database versions not stated): gnomAD exomes below 0.00001.
gnomAD v4.1: 2 of 1,613,978 alleles (0.00012%); highest among the groups gnomAD compares: East Asian, 0.0022%; no homozygotes.

Submissions (2):

Labcorp Genetics (formerly Invitae), Labcorp
Classification: Uncertain significance for Autosomal dominant spastic paraplegia type 9; de Barsy syndrome; Cutis laxa, autosomal dominant 3. Last evaluated: 2024-12-09. Review status: criteria provided, single submitter. Criteria: Invitae Variant Classification Sherloc (09022015). Collection method: clinical testing. Allele origin: germline.
Comment: This sequence change replaces histidine, which is basic and polar, with arginine, which is basic and polar, at codon 390 of the ALDH18A1 protein (p.His390Arg). This variant is not present in population databases (gnomAD no frequency). This variant has not been reported in the literature in individuals affected with ALDH18A1-related conditions. ClinVar contains an entry for this variant (Variation ID: 877931). Invitae Evidence Modeling of protein sequence and biophysical properties (such as structural, functional, and spatial information, amino acid conservation, physicochemical variation, residue mobility, and thermodynamic stability) indicates that this missense variant is not expected to disrupt ALDH18A1 protein function with a negative predictive value of 95%. In summary, the available evidence is currently insufficient to determine the role of this variant in disease. Therefore, it has been classified as a Variant of Uncertain Significance.

Illumina Laboratory Services, Illumina
Classification: Uncertain significance for ALDH18A1-related de Barsy syndrome. Last evaluated: 2018-01-12. Review status: criteria provided, single submitter. Criteria: ICSL Variant Classification Criteria 13 December 2019. Collection method: clinical testing. Allele origin: germline.

NM_002860.4(ALDH18A1):c.1169A>G (p.His390Arg)

Gene: ALDH18A1 (aldehyde dehydrogenase 18 family member A1; minus strand). Cytogenetic location: 10q24.1.
Variant type: single nucleotide variant.
Coding change: c.1169A>G on transcript NM_002860.4 (MANE Select); coding-DNA position 1169, A replaced by G.
Protein change: p.His390Arg; replaces histidine 390 with arginine.
Molecular consequence: missense variant.
Genome position (GRCh38, 1-based): chr10:95,625,439, T>C on the plus strand (A>G on the coding strand, the complement: ALDH18A1 is on the minus strand). VCF-style: chr10-95625439-T-C. GRCh37 (hg19) VCF-style: chr10-97385196-T-C.
Other names: c.1163A>G, p.His388Arg (NM_001017423.2, NM_001323415.2); c.836A>G, p.His279Arg (NM_001323412.2, NM_001323416.2); c.1169A>G, p.His390Arg (NM_001323413.2, NM_001323414.2); c.1064A>G, p.His355Arg (NM_001323417.2); c.830A>G, p.His277Arg (NM_001323418.2); c.533A>G, p.His178Arg (NM_001323419.2); short protein forms H279R, H355R, H178R, H277R, H388R, H390R.
Identifiers: ClinVar variation 877931 (VCV000877931.6), dbSNP rs2097858992, ClinGen allele CA377702816.